The following is an entry in ClinVar:

NM_000254.3(MTR):c.*287G>A

Gene: MTR (5-methyltetrahydrofolate-homocysteine methyltransferase; plus strand). Cytogenetic location: 1q43.
Variant type: single nucleotide variant.
Coding change: c.*287G>A on transcript NM_000254.3 (MANE Select); 287 bases downstream of the stop codon, G replaced by A.
Molecular consequence: 3 prime UTR variant.
Genome position (GRCh38, 1-based): chr1:236,897,931, G>A. VCF-style: chr1-236897931-G-A. GRCh37 (hg19) VCF-style: chr1-237061231-G-A.
Other names: c.*287G>A (NM_001291939.1, NM_001291940.2).
Identifiers: ClinVar variation 296590 (VCV000296590.6), dbSNP rs149786323, ClinGen allele CA10610625.

ClinVar aggregate classification (germline): Likely benign. Review status: criteria provided, multiple submitters, no conflicts (2 of 4 stars). 2 submissions from 2 submitters: Likely benign (2). Last evaluated 2018-01-13.

Conditions:
Disorders of Intracellular Cobalamin Metabolism. Identifiers: MedGen CN043592.

Allele frequency attached by ClinVar (database versions not stated): 1000 Genomes Project 0.00120; 1000 Genomes Project 30x 0.00125; gnomAD 0.00178 and 0.00181; TOPMed 0.00223.
gnomAD v4.1: 876 of 375,562 alleles (0.23%); highest among the groups gnomAD compares: Middle Eastern, 2.9%; 12 homozygotes.

Submissions (2):

Illumina Laboratory Services, Illumina
Classification: Likely benign for Disorders of Intracellular Cobalamin Metabolism. Last evaluated: 2018-01-13. Review status: criteria provided, single submitter. Criteria: ICSL Variant Classification Criteria 13 December 2019. Collection method: clinical testing. Allele origin: germline.
Comment: This variant was observed in the ICSL laboratory as part of a predisposition screen in an ostensibly healthy population. It had not been previously curated by ICSL or reported in the Human Gene Mutation Database (HGMD: prior to June 1st, 2018), and was therefore a candidate for classification through an automated scoring system. Utilizing variant allele frequency, disease prevalence and penetrance estimates, and inheritance mode, an automated score was calculated to assess if this variant is too frequent to cause the disease. Based on the score and internal cut-off values, a variant classified as likely benign is not then subjected to further curation. The score for this variant resulted in a classification of likely benign for this disease.

Breakthrough Genomics
Classification: Likely benign. Review status: criteria provided, single submitter. Criteria: ACMG Guidelines, 2015. Collection method: not provided. Allele origin: germline. Inheritance: Autosomal recessive inheritance. Affected: yes.